The following is an entry in ClinVar:

NM_001008212.2(OPTN):c.1633C>T (p.Arg545Trp)

Gene: OPTN (optineurin; plus strand). Cytogenetic location: 10p13.
Variant type: single nucleotide variant.
Coding change: c.1633C>T on transcript NM_001008212.2 (MANE Select); coding-DNA position 1633, C replaced by T.
Protein change: p.Arg545Trp; replaces arginine 545 with tryptophan.
Molecular consequence: missense variant.
Genome position (GRCh38, 1-based): chr10:13,136,765, C>T. VCF-style: chr10-13136765-C-T. GRCh37 (hg19) VCF-style: chr10-13178765-C-T.
Other names: c.1633C>T, p.Arg545Trp (NM_001008211.1, NM_001008213.1, NM_021980.4); short protein forms R545W.
Identifiers: ClinVar variation 879707 (VCV000879707.9), dbSNP rs774245711, ClinGen allele CA5411046.

ClinVar aggregate classification (germline): Conflicting classifications of pathogenicity. Review status: criteria provided, conflicting classifications (1 of 4 stars). 4 submissions from 3 submitters: Uncertain significance (2); Likely benign (1). 1 of the submissions does not count toward it. Last evaluated 2023-03-08.

Conditions:
Amyotrophic lateral sclerosis type 12 (ALS12). Also called: AMYOTROPHIC LATERAL SCLEROSIS 12 WITH OR WITHOUT FRONTOTEMPORAL DEMENTIA. Identifiers: Orphanet 803, MedGen C3150692, MONDO:0013264, OMIM 613435.
Primary open angle glaucoma (POAG). Also called: OPTN-related open angle glaucoma. Identifiers: MedGen C0339573, MONDO:0100553, OMIM 137760.
Glaucoma 1, open angle, E. Identifiers: MedGen C1842026, MONDO:0007665.
OPTN-related disorder. Also called: OPTN-related disorders; OPTN-related condition.

Allele frequency attached by ClinVar (database versions not stated): gnomAD exomes 0.00002 and 0.00003; TOPMed 0.00002; ExAC 0.00003; gnomAD 0.00001.

Submissions (4):

Labcorp Genetics (formerly Invitae), Labcorp
Classification: Uncertain significance for Primary open angle glaucoma; Glaucoma 1, open angle, E; Amyotrophic lateral sclerosis type 12. Last evaluated: 2023-03-08. Review status: criteria provided, single submitter. Criteria: Invitae Variant Classification Sherloc (09022015). Collection method: clinical testing. Allele origin: germline.
Comment: This sequence change replaces arginine, which is basic and polar, with tryptophan, which is neutral and slightly polar, at codon 545 of the OPTN protein (p.Arg545Trp). This variant is present in population databases (rs774245711, gnomAD 0.004%). This variant has not been reported in the literature in individuals affected with OPTN-related conditions. ClinVar contains an entry for this variant (Variation ID: 879707). Advanced modeling of protein sequence and biophysical properties (such as structural, functional, and spatial information, amino acid conservation, physicochemical variation, residue mobility, and thermodynamic stability) performed at Invitae indicates that this missense variant is not expected to disrupt OPTN protein function. In summary, the available evidence is currently insufficient to determine the role of this variant in disease. Therefore, it has been classified as a Variant of Uncertain Significance.

Illumina Laboratory Services, Illumina
Classification: Likely benign for Primary open angle glaucoma. Last evaluated: 2017-12-19. Review status: criteria provided, single submitter. Criteria: ICSL Variant Classification Criteria 13 December 2019. Collection method: clinical testing. Allele origin: germline.
Comment: This variant was observed as part of a predisposition screen in an ostensibly healthy population. A literature search was performed for the gene, cDNA change, and amino acid change (where applicable). No publications were found based on this search. Allele frequency data from public databases allowed determination this variant is unlikely to cause disease. Therefore, this variant is classified as likely benign.

Illumina Laboratory Services, Illumina
Classification: Uncertain significance for Amyotrophic lateral sclerosis type 12. Last evaluated: 2017-04-27. Review status: criteria provided, single submitter. Criteria: ICSL Variant Classification Criteria 13 December 2019. Collection method: clinical testing. Allele origin: germline.

PreventionGenetics, part of Exact Sciences
Classification: Uncertain significance for OPTN-related condition. Last evaluated: 2024-01-26. Review status: no assertion criteria provided. Collection method: clinical testing. Allele origin: germline. Not counted in ClinVar's aggregate classification.
Comment: The OPTN c.1633C>T variant is predicted to result in the amino acid substitution p.Arg545Trp. To our knowledge, this variant has not been reported in the literature. This variant is reported in 0.0044% of alleles in individuals of European (non-Finnish) descent in gnomAD v2 and we observed one homozygous individual in gnomAD v4. While we suspect this variant may be benign, at this time, the clinical significance of this variant is uncertain due to the absence of conclusive functional and genetic evidence.